The following is an entry in ClinVar:

NM_002528.7(NTHL1):c.662C>T (p.Ala221Val)

Gene: NTHL1 (nth like DNA glycosylase 1; minus strand). Cytogenetic location: 16p13.3.
Variant type: single nucleotide variant.
Coding change: c.662C>T on transcript NM_002528.7 (MANE Select); coding-DNA position 662, C replaced by T.
Protein change: p.Ala221Val; replaces alanine 221 with valine.
Molecular consequence: missense variant.
Genome position (GRCh38, 1-based): chr16:2,043,590, G>A on the plus strand (C>T on the coding strand, the complement: NTHL1 is on the minus strand). VCF-style: chr16-2043590-G-A. GRCh37 (hg19) VCF-style: chr16-2093591-G-A.
Other names: c.491C>T, p.Ala164Val (NM_001318193.2); c.332C>T, p.Ala111Val (NM_001318194.2); short protein forms A221V, A164V, A111V.
Identifiers: ClinVar variation 1755879 (VCV001755879.3), dbSNP rs2150941182, ClinGen allele CA394290969.
Genomic context (GRCh38, chr16:2,043,590, plus strand): 5'-CAGTGGGCTGGAGCCAGCCCCGCCCTCCTCTACTCACCAATGCCTGACACAGTGCCCCAG[G>A]CCACAGCCATAGCCAGGTGTGCCATCTTGGGCCCAACACCCGGCAGCGCCACCAGCTCGG-3'
Protein context (NP_002519.2, residues 211-231): PKMAHLAMAV[Ala221Val]WGTVSGIAVD

ClinVar aggregate classification (germline): Uncertain significance. Review status: criteria provided, multiple submitters, no conflicts (2 of 4 stars). 2 submissions from 2 submitters: Uncertain significance (2). Last evaluated 2025-01-26.

Conditions:
Hereditary cancer-predisposing syndrome. Also called: Neoplastic Syndromes, Hereditary; Tumor predisposition; Hereditary Cancer Syndrome; Hereditary neoplastic syndrome. Identifiers: Orphanet 140162, MedGen C0027672, MeSH D009386, MONDO:0015356.

Allele frequency attached by ClinVar (database versions not stated): gnomAD exomes below 0.00001.
gnomAD v4.1: 2 of 1,608,854 alleles (0.00012%); highest among the groups gnomAD compares: Non-Finnish European, 0.000085%; no homozygotes.

Submissions (2):

GeneDx
Classification: Uncertain significance. Last evaluated: 2025-01-26. Review status: criteria provided, single submitter. Criteria: GeneDx Variant Classification Process June 2021. Collection method: clinical testing. Allele origin: germline. Affected: yes.
Comment: Not observed at significant frequency in large population cohorts (gnomAD); In silico analysis supports that this missense variant has a deleterious effect on protein structure/function; Has not been previously published as pathogenic or benign to our knowledge

Ambry Genetics
Classification: Uncertain significance for Hereditary cancer-predisposing syndrome. Last evaluated: 2021-03-16. Review status: criteria provided, single submitter. Criteria: Ambry Variant Classification Scheme 2023. Collection method: clinical testing. Allele origin: germline.
Comment: The p.A229V variant (also known as c.686C>T), located in coding exon 4 of the NTHL1 gene, results from a C to T substitution at nucleotide position 686. The alanine at codon 229 is replaced by valine, an amino acid with similar properties. This amino acid position is well conserved in available vertebrate species. In addition, this alteration is predicted to be deleterious by in silico analysis. Since supporting evidence is limited at this time, the clinical significance of this alteration remains unclear.